The following is an entry in ClinVar:

NM_003803.4(MYOM1):c.926C>T (p.Thr309Met)

Gene: MYOM1 (myomesin 1; minus strand). Cytogenetic location: 18p11.31.
Variant type: single nucleotide variant.
Coding change: c.926C>T on transcript NM_003803.4 (MANE Select); coding-DNA position 926, C replaced by T.
Protein change: p.Thr309Met; replaces threonine 309 with methionine.
Molecular consequence: missense variant.
Genome position (GRCh38, 1-based): chr18:3,187,483, G>A on the plus strand (C>T on the coding strand, the complement: MYOM1 is on the minus strand). VCF-style: chr18-3187483-G-A. GRCh37 (hg19) VCF-style: chr18-3187481-G-A.
Other names: c.926C>T, p.Thr309Met (NM_019856.2); short protein forms T309M.
Identifiers: ClinVar variation 3168229 (VCV003168229.3), dbSNP rs770979226, ClinGen allele CA8875131.

ClinVar aggregate classification (germline): Uncertain significance. Review status: criteria provided, multiple submitters, no conflicts (2 of 4 stars). 2 submissions from 2 submitters: Uncertain significance (2). Last evaluated 2024-12-17.

Conditions:
Hypertrophic cardiomyopathy. Also called: HYPERTROPHIC MYOCARDIOPATHY. Identifiers: Orphanet 217569, MedGen C0007194, MeSH D002312, MONDO:0005045, HP:0001639.

Allele frequency attached by ClinVar (database versions not stated): ExAC 0.00003; gnomAD exomes 0.00003.
gnomAD v4.1: 44 of 1,612,972 alleles (0.0027%); highest among the groups gnomAD compares: Middle Eastern, 0.016%; no homozygotes.

Submissions (2):

Labcorp Genetics (formerly Invitae), Labcorp
Classification: Uncertain significance for Hypertrophic cardiomyopathy. Last evaluated: 2024-12-17. Review status: criteria provided, single submitter. Criteria: Invitae Variant Classification Sherloc (09022015). Collection method: clinical testing. Allele origin: germline.
Comment: This sequence change replaces threonine, which is neutral and polar, with methionine, which is neutral and non-polar, at codon 309 of the MYOM1 protein (p.Thr309Met). This variant is present in population databases (rs770979226, gnomAD 0.01%). This variant has not been reported in the literature in individuals affected with MYOM1-related conditions. ClinVar contains an entry for this variant (Variation ID: 3168229). Invitae Evidence Modeling of protein sequence and biophysical properties (such as structural, functional, and spatial information, amino acid conservation, physicochemical variation, residue mobility, and thermodynamic stability) indicates that this missense variant is not expected to disrupt MYOM1 protein function with a negative predictive value of 80%. In summary, the available evidence is currently insufficient to determine the role of this variant in disease. Therefore, it has been classified as a Variant of Uncertain Significance.

Ambry Genetics
Classification: Uncertain significance. Last evaluated: 2024-03-01. Review status: criteria provided, single submitter. Criteria: Ambry Variant Classification Scheme 2023. Collection method: clinical testing. Allele origin: germline.